The following is an entry in ClinVar:

ClinVar aggregate classification (germline): Uncertain significance (1 of 4 stars; one submission).

Submission:

Labcorp Genetics (formerly Invitae), Labcorp
Classification: Uncertain significance. Last evaluated: 2025-02-09. Review status: criteria provided, single submitter. Criteria: Invitae Variant Classification Sherloc (09022015). Collection method: clinical testing. Allele origin: germline.
Comment: This sequence change replaces histidine, which is basic and polar, with leucine, which is neutral and non-polar, at codon 298 of the NTHL1 protein (p.His298Leu). This variant is not present in population databases (gnomAD no frequency). This variant has not been reported in the literature in individuals affected with NTHL1-related conditions. An algorithm developed to predict the effect of missense changes on protein structure and function (PolyPhen-2) suggests that this variant is likely to be tolerated. In summary, the available evidence is currently insufficient to determine the role of this variant in disease. Therefore, it has been classified as a Variant of Uncertain Significance.

NM_002528.7(NTHL1):c.869A>T (p.His290Leu)

Gene: NTHL1 (nth like DNA glycosylase 1; minus strand). Cytogenetic location: 16p13.3.
Variant type: single nucleotide variant.
Coding change: c.869A>T on transcript NM_002528.7 (MANE Select); coding-DNA position 869, A replaced by T.
Protein change: p.His290Leu; replaces histidine 290 with leucine.
Molecular consequence: missense variant.
Genome position (GRCh38, 1-based): chr16:2,039,970, T>A on the plus strand (A>T on the coding strand, the complement: NTHL1 is on the minus strand). VCF-style: chr16-2039970-T-A. GRCh37 (hg19) VCF-style: chr16-2089971-T-A.
Other names: c.698A>T, p.His233Leu (NM_001318193.2); c.539A>T, p.His180Leu (NM_001318194.2); short protein forms H180L, H290L, H233L.
Identifiers: ClinVar variation 4712625 (VCV004712625.1).